The following is an entry in ClinVar:

ClinVar aggregate classification (germline): Uncertain significance (1 of 4 stars; one submission).

Conditions:
Emery-Dreifuss muscular dystrophy (EDMD). Also called: Scapuloperoneal syndrome, X-linked (formerly); Humeroperoneal neuromuscular disease, (formerly). Identifiers: Orphanet 261, MedGen C0410189, MONDO:0016830.

gnomAD v4.1: 26 of 1,614,152 alleles (0.0016%); highest among the groups gnomAD compares: Non-Finnish European, 0.0022%; no homozygotes.

Submission:

Labcorp Genetics (formerly Invitae), Labcorp
Classification: Uncertain significance for Emery-Dreifuss muscular dystrophy. Last evaluated: 2025-09-15. Review status: criteria provided, single submitter. Criteria: Invitae Variant Classification Sherloc (09022015). Collection method: clinical testing. Allele origin: germline.
Comment: This sequence change replaces threonine, which is neutral and polar, with arginine, which is basic and polar, at codon 638 of the SUN1 protein (p.Thr638Arg). This variant is present in population databases (no rsID available, gnomAD 0.0009%). This variant has not been reported in the literature in individuals affected with SUN1-related conditions. An algorithm developed to predict the effect of missense changes on protein structure and function (PolyPhen-2) suggests that this variant is likely to be disruptive. In summary, the available evidence is currently insufficient to determine the role of this variant in disease. Therefore, it has been classified as a Variant of Uncertain Significance.

NM_001130965.3(SUN1):c.1913C>G (p.Thr638Arg)

Gene: SUN1 (Sad1 and UNC84 domain containing 1; plus strand). Cytogenetic location: 7p22.3.
Variant type: single nucleotide variant.
Coding change: c.1913C>G on transcript NM_001130965.3 (MANE Select); coding-DNA position 1913, C replaced by G.
Protein change: p.Thr638Arg; replaces threonine 638 with arginine.
Molecular consequence: missense variant. On other transcripts: non-coding transcript variant (3).
Genome position (GRCh38, 1-based): chr7:866,000, C>G. VCF-style: chr7-866000-C-G. GRCh37 (hg19) VCF-style: chr7-905637-C-G.
Other names: c.1898C>G, p.Thr633Arg (NM_001367642.1); c.2105C>G, p.Thr702Arg (NM_001367643.1); c.1844C>G, p.Thr615Arg (NM_001367644.1); c.1961C>G, p.Thr654Arg (NM_001367645.1, NM_001367681.1); c.2042C>G, p.Thr681Arg (NM_001367646.1); c.1955C>G, p.Thr652Arg (NM_001367647.1, NM_001367668.1); c.1775C>G, p.Thr592Arg (NM_001367648.1); c.1958C>G, p.Thr653Arg (NM_001367649.1); and 43 more; short protein forms T400R, T449R, T485R, T521R, T535R, T555R, T577R, T582R.
Identifiers: ClinVar variation 4811650 (VCV004811650.1).